The following is an entry in ClinVar:

NM_001369.3(DNAH5):c.7231-7C>G

Gene: DNAH5 (dynein axonemal heavy chain 5; minus strand). Cytogenetic location: 5p15.2.
Variant type: single nucleotide variant.
Coding change: c.7231-7C>G on transcript NM_001369.3 (MANE Select); 7 bases into the intron before coding-DNA position 7231, C replaced by G.
Molecular consequence: intron variant.
Genome position (GRCh38, 1-based): chr5:13,811,830, G>C on the plus strand (C>G on the coding strand, the complement: DNAH5 is on the minus strand). VCF-style: chr5-13811830-G-C. GRCh37 (hg19) VCF-style: chr5-13811939-G-C.
Identifiers: ClinVar variation 3655628 (VCV003655628.2).
Genomic context (GRCh38, chr5:13,811,830, plus strand): 5'-GTACAGCTGACGAAGAATTTCTGCTTCTTGAGGTGAGCGTTTCTTAAGAAAACCCTGTCA[G>C]TTCACAGACAAGTGTATTCATGAAACTTATTAGCACACTAGGAAAATGGTCATTTGGGGA-3'

ClinVar aggregate classification (germline): Uncertain significance (1 of 4 stars; one submission).

Conditions:
Primary ciliary dyskinesia. Also called: Ciliary dyskinesia. Identifiers: Orphanet 244, MedGen C0008780, MONDO:0016575, HP:0012265.

Submission:

Labcorp Genetics (formerly Invitae), Labcorp
Classification: Uncertain significance for Primary ciliary dyskinesia. Last evaluated: 2024-08-12. Review status: criteria provided, single submitter. Criteria: Invitae Variant Classification Sherloc (09022015). Collection method: clinical testing. Allele origin: germline.
Comment: This sequence change falls in intron 43 of the DNAH5 gene. It does not directly change the encoded amino acid sequence of the DNAH5 protein. This variant is not present in population databases (gnomAD no frequency). This variant has not been reported in the literature in individuals affected with DNAH5-related conditions. Algorithms developed to predict the effect of sequence changes on RNA splicing suggest that this variant may disrupt the consensus splice site. In summary, the available evidence is currently insufficient to determine the role of this variant in disease. Therefore, it has been classified as a Variant of Uncertain Significance.